The following is an entry in ClinVar:

NM_005732.4(RAD50):c.3564G>A (p.Met1188Ile)

Genes: TH2-LCR (Th2 cytokine locus control region; plus strand), TH2LCRR (T helper type 2 locus control region associated RNA; minus strand), RAD50 (RAD50 double strand break repair protein; plus strand). Cytogenetic location: 5q31.1.
Variant type: single nucleotide variant.
Coding change: c.3564G>A on transcript NM_005732.4 (MANE Select); coding-DNA position 3564, G replaced by A.
Protein change: p.Met1188Ile; replaces methionine 1188 with isoleucine.
Molecular consequence: missense variant. On other transcripts: non-coding transcript variant (3).
Genome position (GRCh38, 1-based): chr5:132,638,169, G>A. VCF-style: chr5-132638169-G-A. GRCh37 (hg19) VCF-style: chr5-131973861-G-A.
Other names: short protein forms M1188I.
Identifiers: ClinVar variation 823934 (VCV000823934.4), dbSNP rs1581021193, ClinGen allele CA360932061.
Genomic context (GRCh38, chr5:132,638,169, plus strand): 5'-TGCCGATGAAAATGTATCAGCTTCTGATAAAAGGCGGAATTATAACTACCGAGTGGTGAT[G>A]CTGAAGGGAGACACAGCCTTGGATATGCGAGGACGATGCAGTGCTGGACAAAAGGCAGGT-3'
Protein context (NP_005723.2, residues 1178-1198): KRRNYNYRVV[Met1188Ile]LKGDTALDMR

ClinVar aggregate classification (germline): Uncertain significance (1 of 4 stars; one submission).

Conditions:
Hereditary cancer-predisposing syndrome. Also called: Neoplastic Syndromes, Hereditary; Tumor predisposition; Hereditary neoplastic syndrome; Hereditary Cancer Syndrome. Identifiers: Orphanet 140162, MedGen C0027672, MeSH D009386, MONDO:0015356.

Submission:

Ambry Genetics
Classification: Uncertain significance for Hereditary cancer-predisposing syndrome. Last evaluated: 2019-11-28. Review status: criteria provided, single submitter. Criteria: Ambry Variant Classification Scheme 2023. Collection method: clinical testing. Allele origin: germline.
Comment: The p.M1188I variant (also known as c.3564G>A), located in coding exon 23 of the RAD50 gene, results from a G to A substitution at nucleotide position 3564. The methionine at codon 1188 is replaced by isoleucine, an amino acid with highly similar properties. This amino acid position is highly conserved in available vertebrate species. In addition, this alteration is predicted to be deleterious by in silico analysis. Since supporting evidence is limited at this time, the clinical significance of this alteration remains unclear.